The following is an entry in ClinVar:

NM_015662.3(IFT172):c.2331G>C (p.Gly777=)

Gene: IFT172 (intraflagellar transport 172; minus strand). Cytogenetic location: 2p23.3.
Variant type: single nucleotide variant.
Coding change: c.2331G>C on transcript NM_015662.3 (MANE Select); coding-DNA position 2331, G replaced by C.
Protein change: p.Gly777=; no amino-acid change (glycine 777 retained).
Molecular consequence: synonymous variant.
Genome position (GRCh38, 1-based): chr2:27,461,380, C>G on the plus strand (G>C on the coding strand, the complement: IFT172 is on the minus strand). VCF-style: chr2-27461380-C-G. GRCh37 (hg19) VCF-style: chr2-27684247-C-G.
Identifiers: ClinVar variation 711237 (VCV000711237.4), dbSNP rs1244485412, ClinGen allele CA425609402.

ClinVar aggregate classification (germline): Likely benign. Review status: criteria provided, single submitter (1 of 4 stars). 2 submissions from 2 submitters: Likely benign (1). 1 of the submissions does not count toward it. Last evaluated 2018-11-14.

Conditions:
IFT172-related disorder. Also called: IFT172-related condition; IFT172-related disorders.

Allele frequency attached by ClinVar (database versions not stated): gnomAD exomes below 0.00001 and 0.00001.
gnomAD v4.1: 3 of 1,614,114 alleles (0.00019%); highest among the groups gnomAD compares: Admixed American, 0.0017%; no homozygotes.

Submissions (2):

Labcorp Genetics (formerly Invitae), Labcorp
Classification: Likely benign. Last evaluated: 2018-11-14. Review status: criteria provided, single submitter. Criteria: Invitae Variant Classification Sherloc (09022015). Collection method: clinical testing. Allele origin: germline.

PreventionGenetics, part of Exact Sciences
Classification: Likely benign for IFT172-related condition. Last evaluated: 2022-09-07. Review status: no assertion criteria provided. Collection method: clinical testing. Allele origin: germline. Not counted in ClinVar's aggregate classification.
Comment: This variant is classified as likely benign based on ACMG/AMP sequence variant interpretation guidelines (Richards et al. 2015 PMID: 25741868, with internal and published modifications).